The following is an entry in ClinVar:

ClinVar aggregate classification (germline): Uncertain significance. Review status: criteria provided, multiple submitters, no conflicts (2 of 4 stars). 6 submissions from 6 submitters: Uncertain significance (5). 1 of the submissions does not count toward it. Last evaluated 2025-11-20.

Conditions:
Inborn genetic diseases. Identifiers: MedGen C0950123, MeSH D030342.
Ethylmalonic encephalopathy (EE). Also called: Syndrome of encephalopathy, petechiae, and ethylmalonic aciduria; EPEMA syndrome; Encephalopathy, petechiae, and ethylmalonic aciduria. Identifiers: Orphanet 51188, MedGen C1865349, MONDO:0011229, OMIM 602473. Disease mechanism: loss of function.

Allele frequency attached by ClinVar (database versions not stated): gnomAD exomes 0.00007 and 0.00009; ESP Exome Variant Server 0.00008; gnomAD 0.00005; TOPMed 0.00007; ExAC 0.00008.
gnomAD v4.1: 148 of 1,613,960 alleles (0.0092%); highest among the groups gnomAD compares: Non-Finnish European, 0.0082%; no homozygotes.

Submissions (6):

GeneDx
Classification: Uncertain significance. Last evaluated: 2025-11-20. Review status: criteria provided, single submitter. Criteria: GeneDx Variant Classification Process June 2021. Collection method: clinical testing. Allele origin: germline.
Comment: Has not been previously published as pathogenic or benign to our knowledge; In silico analysis supports that this missense variant has a deleterious effect on protein structure/function

Ambry Genetics
Classification: Uncertain significance for Inborn genetic diseases. Last evaluated: 2024-01-29. Review status: criteria provided, single submitter. Criteria: Ambry Variant Classification Scheme 2023. Collection method: clinical testing. Allele origin: germline.

Labcorp Genetics (formerly Invitae), Labcorp
Classification: Uncertain significance for Ethylmalonic encephalopathy. Last evaluated: 2022-03-24. Review status: criteria provided, single submitter. Criteria: Invitae Variant Classification Sherloc (09022015). Collection method: clinical testing. Allele origin: germline.
Comment: This sequence change replaces leucine, which is neutral and non-polar, with valine, which is neutral and non-polar, at codon 39 of the ETHE1 protein (p.Leu39Val). This variant is present in population databases (rs201260191, gnomAD 0.06%). This variant has not been reported in the literature in individuals affected with ETHE1-related conditions. ClinVar contains an entry for this variant (Variation ID: 559210). Advanced modeling of protein sequence and biophysical properties (such as structural, functional, and spatial information, amino acid conservation, physicochemical variation, residue mobility, and thermodynamic stability) performed at Invitae indicates that this missense variant is expected to disrupt ETHE1 protein function. Algorithms developed to predict the effect of sequence changes on RNA splicing suggest that this variant may create or strengthen a splice site. In summary, the available evidence is currently insufficient to determine the role of this variant in disease. Therefore, it has been classified as a Variant of Uncertain Significance.

Fulgent Genetics
Classification: Uncertain significance for Ethylmalonic encephalopathy. Last evaluated: 2021-12-06. Review status: criteria provided, single submitter. Criteria: ACMG Guidelines, 2015. Collection method: clinical testing. Allele origin: unknown.

Illumina Laboratory Services, Illumina
Classification: Uncertain significance for Ethylmalonic encephalopathy. Last evaluated: 2018-01-12. Review status: criteria provided, single submitter. Criteria: ICSL Variant Classification Criteria 13 December 2019. Collection method: clinical testing. Allele origin: germline.

Mayo Clinic Laboratories, Mayo Clinic
Classification: Uncertain significance. Last evaluated: 2016-03-14. Review status: no assertion criteria provided. Collection method: clinical testing. Allele origin: unknown. Not counted in ClinVar's aggregate classification.

NM_014297.5(ETHE1):c.115C>G (p.Leu39Val)

Gene: ETHE1 (ETHE1 persulfide dioxygenase; minus strand). Cytogenetic location: 19q13.31.
Variant type: single nucleotide variant.
Coding change: c.115C>G on transcript NM_014297.5 (MANE Select); coding-DNA position 115, C replaced by G.
Protein change: p.Leu39Val; replaces leucine 39 with valine.
Molecular consequence: missense variant. On other transcripts: 5 prime UTR variant (1), intron variant (1).
Genome position (GRCh38, 1-based): chr19:43,526,626, G>C on the plus strand (C>G on the coding strand, the complement: ETHE1 is on the minus strand). VCF-style: chr19-43526626-G-C. GRCh37 (hg19) VCF-style: chr19-44030778-G-C.
Other names: c.115C>G, p.Leu39Val (NM_001320867.2); c.-106C>G (NM_001320868.2); c.81+471C>G (NM_001320869.2); short protein forms L39V.
Identifiers: ClinVar variation 559210 (VCV000559210.14), dbSNP rs201260191, ClinGen allele CA9487943.